The following is an entry in ClinVar:

ClinVar aggregate classification (germline): Conflicting classifications of pathogenicity. Review status: criteria provided, conflicting classifications (1 of 4 stars). 8 submissions from 8 submitters: Uncertain significance (4); Likely benign (3). 1 of the submissions does not count toward it. Last evaluated 2026-01-14.

Conditions:
BRCA2-related disorder. Also called: BRCA2-related condition; BRCA2-related disorders. Identifiers: MedGen CN239275.
Hereditary cancer-predisposing syndrome. Also called: Hereditary Cancer Syndrome; Tumor predisposition; Neoplastic Syndromes, Hereditary; Hereditary neoplastic syndrome. Identifiers: Orphanet 140162, MedGen C0027672, MeSH D009386, MONDO:0015356.
Hereditary breast ovarian cancer syndrome. Also called: Breast and ovarian cancer; BRCA1- and BRCA2-Associated Hereditary Breast and Ovarian Cancer; Hereditary breast and ovarian cancer; Hereditary breast and ovarian cancer syndrome (HBOC); Hereditary breast and ovarian cancer syndrome; Hereditary breast and/or ovarian cancer syndrome. Identifiers: Orphanet 145, MedGen C0677776, MeSH D061325, MONDO:0003582. Disease mechanism: loss of function.
Breast-ovarian cancer, familial, susceptibility to, 2 (BROVCA2). Also called: BRCA2 Hereditary Breast and Ovarian Cancer. Identifiers: Orphanet 145, MedGen C2675520, MONDO:0012933, OMIM 612555. Disease mechanism: loss of function.

Allele frequency attached by ClinVar (database versions not stated): gnomAD exomes below 0.00001; gnomAD 0.00002; TOPMed 0.00002.
gnomAD v4.1: 6 of 1,613,860 alleles (0.00037%); highest among the groups gnomAD compares: African/African-American, 0.0013%; no homozygotes.

Submissions (8):

Women's Health and Genetics/Laboratory Corporation of America, LabCorp
Classification: Uncertain significance. Last evaluated: 2026-01-14. Review status: criteria provided, single submitter. Criteria: LabCorp Variant Classification Summary - May 2015. Collection method: clinical testing. Allele origin: germline.
Comment: Variant summary: BRCA2 c.5975C>T (p.Ser1992Leu) results in a non-conservative amino acid change in the encoded protein sequence. Algorithms developed to predict the effect of missense changes on protein structure and function all suggest that this variant is likely to be disruptive. The variant allele was found at a frequency of 4e-06 in 250532 control chromosomes. The available data on variant occurrences in the general population are insufficient to allow any conclusion about variant significance. c.5975C>T has been observed in individuals suspected of Hereditary Breast And Ovarian Cancer Syndrome undergoing BRCA1/2 testing (e.g. Caputo_2021, Bisgin_2022) with one study classifying the variant as likely benign based on cosegregation analysis, however detailed cosegregation data was not provided (Caputo_2021). To our knowledge, no experimental evidence demonstrating an impact on protein function has been reported. The following publications have been ascertained in the context of this evaluation (PMID: 35753294, 34597585). ClinVar contains an entry for this variant (Variation ID: 51979). Based on the evidence outlined above, the variant was classified as uncertain significance.

Labcorp Genetics (formerly Invitae), Labcorp
Classification: Likely benign for Hereditary breast ovarian cancer syndrome. Last evaluated: 2025-10-07. Review status: criteria provided, single submitter. Criteria: Invitae Variant Classification Sherloc (09022015). Collection method: clinical testing. Allele origin: germline.

Ambry Genetics
Classification: Uncertain significance for Hereditary cancer-predisposing syndrome. Last evaluated: 2024-12-24. Review status: criteria provided, single submitter. Criteria: Ambry Variant Classification Scheme 2023. Collection method: clinical testing. Allele origin: germline.
Comment: The p.S1992L variant (also known as c.5975C>T), located in coding exon 10 of the BRCA2 gene, results from a C to T substitution at nucleotide position 5975. The serine at codon 1992 is replaced by leucine, an amino acid with dissimilar properties. This variant was identified in 1 of 1444 individuals with a personal and/or family history suggestive of hereditary breast and ovarian cancer syndrome (Boga I et al. Eur J Breast Health, 2023 Jul;19:235-252). This amino acid position is not well conserved in available vertebrate species. In addition, the in silico prediction for this alteration is inconclusive. Based on the available evidence, the clinical significance of this variant remains unclear.

CeGaT Center for Human Genetics Tuebingen
Classification: Uncertain significance. Last evaluated: 2023-12-01. Review status: criteria provided, single submitter. Criteria: CeGaT Center For Human Genetics Tuebingen Variant Classification Criteria Version 2. Collection method: clinical testing. Allele origin: germline. Affected: yes. Observed: 1 variant allele.
Comment: BRCA2: PM2:Supporting, BP1

University of Washington Department of Laboratory Medicine, University of Washington
Classification: Likely benign for Hereditary cancer-predisposing syndrome. Last evaluated: 2023-03-23. Review status: criteria provided, single submitter. Criteria: Dines et al. (Genet Med. 2020). Collection method: curation. Allele origin: germline.
Comment: Missense variant in a coldspot region where missense variants are very unlikely to be pathogenic (PMID:31911673).

BRCA2 exon 11 coldspot. Reclassification based on statistical prior probability.

Color Diagnostics, LLC DBA Color Health
Classification: Likely benign for Hereditary cancer-predisposing syndrome. Last evaluated: 2017-09-15. Review status: criteria provided, single submitter. Criteria: ACMG Guidelines, 2015. Collection method: clinical testing. Allele origin: germline.

GeneDx
Classification: Uncertain significance. Last evaluated: 2017-05-22. Review status: criteria provided, single submitter. Criteria: GeneDx Variant Classification (06012015). Collection method: clinical testing. Allele origin: germline. Affected: yes.
Comment: This variant is denoted BRCA2 c.5975C>T at the cDNA level, p.Ser1992Leu (S1992L) at the protein level, and results in the change of a Serine to a Leucine (TCA>TTA). Using alternate nomenclature, this variant would be defined as BRCA2 6203C>T. This variant has not, to our knowledge, been published in the literature as pathogenic or benign. BRCA2 Ser1992Leu was not observed in approximately 6,500 individuals of European and African American ancestry in the NHLBI Exome Sequencing Project, suggesting it is not a common benign variant in these populations. Since Serine and Leucine differ in polarity, charge, size or other properties, this is considered a non-conservative amino acid substitution. BRCA2 Ser1992Leu occurs at a position that is not conserved and is located in the 7th BRC repeat and the RAD51 binding domain (Roy 2012). In silico analyses predict that this variant is probably damaging to protein structure and function. Based on currently available evidence, it is unclear whether BRCA2 Ser1992Leu is pathogenic or benign. We consider it to be a variant of uncertain significance.

Breast Cancer Information Core (BIC) (BRCA2)
Classification: Uncertain significance for Breast-ovarian cancer, familial 2. Last evaluated: 2004-02-20. Review status: no assertion criteria provided. Collection method: clinical testing. Allele origin: germline. Affected: yes. Observed: 1 variant allele. Not counted in ClinVar's aggregate classification.

Literature cited by the submitters: PubMed 34597585 (cited by Women's Health and Genetics/Laboratory Corporation of America, LabCorp); PubMed 35753294 (cited by Women's Health and Genetics/Laboratory Corporation of America, LabCorp); PubMed 28664449 (cited by Ambry Genetics); PubMed 37415649 (cited by Ambry Genetics).

NM_000059.4(BRCA2):c.5975C>T (p.Ser1992Leu)

Gene: BRCA2 (BRCA2 DNA repair associated; plus strand). Cytogenetic location: 13q13.1.
Variant type: single nucleotide variant.
Coding change: c.5975C>T on transcript NM_000059.4 (MANE Select); coding-DNA position 5975, C replaced by T.
Protein change: p.Ser1992Leu; replaces serine 1992 with leucine.
Molecular consequence: missense variant.
Genome position (GRCh38, 1-based): chr13:32,340,330, C>T. VCF-style: chr13-32340330-C-T. GRCh37 (hg19) VCF-style: chr13-32914467-C-T.
Other names: short protein forms S1992L.
Identifiers: ClinVar variation 51979 (VCV000051979.46), dbSNP rs80358830, ClinGen allele CA023440.
Genomic context (GRCh38, chr13:32,340,330, plus strand): 5'-CAAATACTTGTGGGATTTTTAGCACAGCAAGTGGAAAATCTGTCCAGGTATCAGATGCTT[C>T]ATTACAAAACGCAAGACAAGTGTTTTCTGAAATAGAAGATAGTACCAAGCAAGTCTTTTC-3'
Protein context (NP_000050.3, residues 1982-2002): SGKSVQVSDA[Ser1992Leu]LQNARQVFSE